The following is an entry in ClinVar:

NM_000222.3(KIT):c.1850C>T (p.Ala617Val)

Gene: KIT (KIT proto-oncogene, receptor tyrosine kinase; plus strand). Cytogenetic location: 4q12.
Variant type: single nucleotide variant.
Coding change: c.1850C>T on transcript NM_000222.3 (MANE Select); coding-DNA position 1850, C replaced by T.
Protein change: p.Ala617Val; replaces alanine 617 with valine.
Molecular consequence: missense variant.
Genome position (GRCh38, 1-based): chr4:54,727,898, C>T. VCF-style: chr4-54727898-C-T. GRCh37 (hg19) VCF-style: chr4-55594064-C-T.
Other names: c.1838C>T, p.Ala613Val (NM_001093772.2, NM_001385286.1); c.1853C>T, p.Ala618Val (NM_001385284.1, NM_001385290.1); c.1850C>T, p.Ala617Val (NM_001385285.1); c.1841C>T, p.Ala614Val (NM_001385288.1, NM_001385292.1); short protein forms A613V, A614V, A618V, A617V.
Identifiers: ClinVar variation 1781319 (VCV001781319.4), dbSNP rs1289728551, ClinGen allele CA356908170.

ClinVar aggregate classification (germline): Uncertain significance. Review status: criteria provided, multiple submitters, no conflicts (2 of 4 stars). 2 submissions from 2 submitters: Uncertain significance (2). Last evaluated 2025-10-10.

Conditions:
Hereditary cancer-predisposing syndrome. Also called: Neoplastic Syndromes, Hereditary; Tumor predisposition; Hereditary Cancer Syndrome; Hereditary neoplastic syndrome. Identifiers: Orphanet 140162, MedGen C0027672, MeSH D009386, MONDO:0015356.
Gastrointestinal stromal tumor. Also called: Gastrointestinal stromal tumor, somatic; Gastrointestinal stroma tumor. Identifiers: Orphanet 44890, MedGen C0238198, MeSH D046152, MONDO:0011719, OMIM 606764, HP:0100723.

Allele frequency attached by ClinVar (database versions not stated): gnomAD exomes below 0.00001; gnomAD 0.00001.
gnomAD v4.1: 3 of 1,613,924 alleles (0.00019%); highest among the groups gnomAD compares: South Asian, 0.0011%; no homozygotes.

Submissions (2):

Ambry Genetics
Classification: Uncertain significance for Hereditary cancer-predisposing syndrome. Last evaluated: 2025-10-10. Review status: criteria provided, single submitter. Criteria: Ambry Variant Classification Scheme 2023. Collection method: clinical testing. Allele origin: germline.
Comment: The p.A617V variant (also known as c.1850C>T), located in coding exon 12 of the KIT gene, results from a C to T substitution at nucleotide position 1850. The alanine at codon 617 is replaced by valine, an amino acid with similar properties. This amino acid position is conserved. In addition, the in silico prediction for this alteration is inconclusive. Based on the available evidence, the clinical significance of this variant remains unclear.

Labcorp Genetics (formerly Invitae), Labcorp
Classification: Uncertain significance for Gastrointestinal stromal tumor. Last evaluated: 2025-09-09. Review status: criteria provided, single submitter. Criteria: Invitae Variant Classification Sherloc (09022015). Collection method: clinical testing. Allele origin: germline.
Comment: This sequence change replaces alanine, which is neutral and non-polar, with valine, which is neutral and non-polar, at codon 617 of the KIT protein (p.Ala617Val). This variant is present in population databases (no rsID available, gnomAD 0.0009%). This variant has not been reported in the literature in individuals affected with KIT-related conditions. ClinVar contains an entry for this variant (Variation ID: 1781319). An algorithm developed to predict the effect of missense changes on protein structure and function (PolyPhen-2) suggests that this variant is likely to be tolerated. In summary, the available evidence is currently insufficient to determine the role of this variant in disease. Therefore, it has been classified as a Variant of Uncertain Significance.